The following is an entry in ClinVar:

ClinVar aggregate classification (germline): Uncertain significance. Review status: criteria provided, multiple submitters, no conflicts (2 of 4 stars). 3 submissions from 3 submitters: Uncertain significance (2). 1 of the submissions does not count toward it. Last evaluated 2019-05-28.

Conditions:
SIM1-related disorder. Also called: SIM1-related disorders; SIM1-related condition.
Monogenic diabetes. Identifiers: Orphanet 183625, MedGen C3888631, MONDO:0015967.

Allele frequency attached by ClinVar (database versions not stated): gnomAD exomes 0.00007 and 0.00009; ESP Exome Variant Server 0.00015; 1000 Genomes Project 30x 0.00016; gnomAD 0.00006; TOPMed 0.00008; 1000 Genomes Project 0.00020; ExAC 0.00007.
gnomAD v4.1: 142 of 1,614,098 alleles (0.0088%); highest among the groups gnomAD compares: Non-Finnish European, 0.011%; no homozygotes.

Submissions (3):

GeneDx
Classification: Uncertain significance. Last evaluated: 2019-05-28. Review status: criteria provided, single submitter. Criteria: GeneDx Variant Classification Process June 2021. Collection method: clinical testing. Allele origin: germline. Affected: yes.
Comment: Published functional studies demonstrate a damaging effect through a decrease in transcriptional activity (Ramachandrappa et al., 2013); Identified in individuals from several unrelated families with obesity in the published literature; however, the variant did not segregate with obesity in all families (Ramachandrappa et al., 2013; Kleinendorst et al., 2018); In silico analysis, which includes protein predictors and evolutionary conservation, supports that this variant does not alter protein structure/function; This variant is associated with the following publications: (PMID: 29970488, 30779104, 28472148, 23778139)

Personalized Diabetes Medicine Program, University of Maryland School of Medicine
Classification: Uncertain significance for Monogenic diabetes. Last evaluated: 2018-10-26. Review status: criteria provided, single submitter. Criteria: ACMG Guidelines, 2015. Collection method: research. Allele origin: unknown. Observed: 1 variant allele, 1 heterozygote.
Comment: ACMG criteria: BP4 (REVEL 0.078 + 7 predictors)= VUS [variant not reported in literature; within Single minded C-terminal domain but don't think we can use this as evidence bc domain is so large)

PreventionGenetics, part of Exact Sciences
Classification: Uncertain significance for SIM1-related condition. Last evaluated: 2024-09-24. Review status: no assertion criteria provided. Collection method: clinical testing. Allele origin: germline. Not counted in ClinVar's aggregate classification.
Comment: The SIM1 c.1649G>A variant is predicted to result in the amino acid substitution p.Arg550His. This variant has been reported in three unique families with obesity (Ramachandrappa et al. 2013. PubMed ID: 23778139). Although all three affected probands were heterozygous for c.1649G>A, familial segregation was imperfect. Functional assessment of c.1649G>A using mammalian cell lines demonstrated moderate loss of function in vitro. This variant has been reported as heterozygous in one additional adult with obesity (Individual 110, Supplementary Table S1, Kleinendorst et al. 2018. PubMed ID: 29970488). This variant is reported in 0.0098% of alleles in individuals of South Asian descent in gnomAD. Although we suspect that this variant may be pathogenic, at this time, the clinical significance of this variant is uncertain due to the absence of conclusive functional and genetic evidence.

NM_005068.3(SIM1):c.1649G>A (p.Arg550His)

Gene: SIM1 (SIM bHLH transcription factor 1; minus strand). Cytogenetic location: 6q16.3.
Variant type: single nucleotide variant.
Coding change: c.1649G>A on transcript NM_005068.3 (MANE Select); coding-DNA position 1649, G replaced by A.
Protein change: p.Arg550His; replaces arginine 550 with histidine.
Molecular consequence: missense variant.
Genome position (GRCh38, 1-based): chr6:100,391,013, C>T on the plus strand (G>A on the coding strand, the complement: SIM1 is on the minus strand). VCF-style: chr6-100391013-C-T. GRCh37 (hg19) VCF-style: chr6-100838889-C-T.
Other names: c.1649G>A, p.Arg550His (NM_001374769.1); short protein forms R550H.
Identifiers: ClinVar variation 917416 (VCV000917416.7), dbSNP rs137870558, ClinGen allele CA3936966.